The following is an entry in ClinVar:

NM_004100.5(EYA4):c.371-2A>G

Gene: EYA4 (EYA transcriptional coactivator and phosphatase 4; plus strand). Cytogenetic location: 6q23.2.
Variant type: single nucleotide variant.
Coding change: c.371-2A>G on transcript NM_004100.5 (MANE Select); the canonical splice acceptor site of the intron before coding-DNA position 371, A replaced by G.
Molecular consequence: splice acceptor variant.
Genome position (GRCh38, 1-based): chr6:133,461,112, A>G. VCF-style: chr6-133461112-A-G. GRCh37 (hg19) VCF-style: chr6-133782250-A-G.
Other names: c.371-2A>G (NM_001301013.2, NM_172105.4); c.302-2A>G (NM_001370458.1, NM_172103.4); c.209-2A>G (NM_001370459.1, NM_001301012.2).
Identifiers: ClinVar variation 2101519 (VCV002101519.4), dbSNP rs876657644, ClinGen allele CA365695845.
Genomic context (GRCh38, chr6:133,461,112, plus strand): 5'-CACTCTAGTGAAATGTATTTATGAAGCAACCTTTGGTGCACTGGTATTTTTGTGTCTTAC[A>G]GTAATTACAAGTAGTGGCTACAGCCCCAGATCAGCACATCAGTATTCCCCACAGCTGTAT-3'

ClinVar aggregate classification (germline): Likely pathogenic (1 of 4 stars; one submission).

Conditions:
Dilated cardiomyopathy 1J (CMD1J). Also called: CARDIOMYOPATHY, DILATED, WITH SENSORINEURAL HEARING LOSS, AUTOSOMAL DOMINANT. Identifiers: Orphanet 217622, MedGen C1854368, MONDO:0011541, OMIM 605362.

Submission:

Labcorp Genetics (formerly Invitae), Labcorp
Classification: Likely pathogenic for Dilated cardiomyopathy 1J. Last evaluated: 2022-03-01. Review status: criteria provided, single submitter. Criteria: Invitae Variant Classification Sherloc (09022015). Collection method: clinical testing. Allele origin: germline.
Comment: In summary, the currently available evidence indicates that the variant is pathogenic, but additional data are needed to prove that conclusively. Therefore, this variant has been classified as Likely Pathogenic. Algorithms developed to predict the effect of sequence changes on RNA splicing suggest that this variant may disrupt the consensus splice site. This variant has not been reported in the literature in individuals affected with EYA4-related conditions. This variant is not present in population databases (gnomAD no frequency). This sequence change affects an acceptor splice site in intron 6 of the EYA4 gene. It is expected to disrupt RNA splicing. Variants that disrupt the donor or acceptor splice site typically lead to a loss of protein function (PMID: 16199547), and loss-of-function variants in EYA4 are known to be pathogenic (PMID: 11159937, 25781927, 25963406).

Literature cited by the submitters: PubMed 16199547; PubMed 11159937; PubMed 25781927; PubMed 25963406.